The following is an entry in ClinVar:

ClinVar aggregate classification (germline): Likely benign (0 of 4 stars; one submission).

Conditions:
SLC4A5-related disorder. Also called: SLC4A5-related condition.

Allele frequency attached by ClinVar (database versions not stated): gnomAD exomes 0.00014; gnomAD 0.00029; TOPMed 0.00054; ExAC 0.00068; 1000 Genomes Project 0.00200; 1000 Genomes Project 30x 0.00219.
gnomAD v4.1: 257 of 1,614,074 alleles (0.016%); highest among the groups gnomAD compares: East Asian, 0.53%; 2 homozygotes.

Submission:

PreventionGenetics, part of Exact Sciences
Classification: Likely benign for SLC4A5-related condition. Last evaluated: 2019-04-01. Review status: no assertion criteria provided. Collection method: clinical testing. Allele origin: germline.
Comment: This variant is classified as likely benign based on ACMG/AMP sequence variant interpretation guidelines (Richards et al. 2015 PMID: 25741868, with internal and published modifications).

NM_133478.3(SLC4A5):c.2306A>G (p.Tyr769Cys)

Gene: SLC4A5 (solute carrier family 4 member 5; minus strand). Cytogenetic location: 2p13.1.
Variant type: single nucleotide variant.
Coding change: c.2306A>G on transcript NM_133478.3 (MANE Select); coding-DNA position 2306, A replaced by G.
Protein change: p.Tyr769Cys; replaces tyrosine 769 with cysteine.
Molecular consequence: missense variant.
Genome position (GRCh38, 1-based): chr2:74,239,348, T>C on the plus strand (A>G on the coding strand, the complement: SLC4A5 is on the minus strand). VCF-style: chr2-74239348-T-C. GRCh37 (hg19) VCF-style: chr2-74466475-T-C.
Other names: c.1958A>G, p.Tyr653Cys (NM_001386136.1); c.2306A>G, p.Tyr769Cys (NM_021196.3); short protein forms Y653C, Y769C.
Identifiers: ClinVar variation 3055348 (VCV003055348.2), dbSNP rs143467854, ClinGen allele CA1720525.